The following is an entry in ClinVar:

NM_005585.5(SMAD6):c.569C>A (p.Thr190Lys)

Gene: SMAD6 (SMAD family member 6; plus strand). Cytogenetic location: 15q22.31.
Variant type: single nucleotide variant.
Coding change: c.569C>A on transcript NM_005585.5 (MANE Select); coding-DNA position 569, C replaced by A.
Protein change: p.Thr190Lys; replaces threonine 190 with lysine.
Molecular consequence: missense variant. On other transcripts: non-coding transcript variant (1).
Genome position (GRCh38, 1-based): chr15:66,703,827, C>A. VCF-style: chr15-66703827-C-A. GRCh37 (hg19) VCF-style: chr15-66996165-C-A.
Other names: short protein forms T190K.
Identifiers: ClinVar variation 850109 (VCV000850109.9), dbSNP rs1893040158, ClinGen allele CA392949812.

ClinVar aggregate classification (germline): Uncertain significance (1 of 4 stars; one submission).

Conditions:
Aortic valve disease 2 (AOVD2). Identifiers: MedGen C3542024, MONDO:0013902, OMIM 614823.

Submission:

Labcorp Genetics (formerly Invitae), Labcorp
Classification: Uncertain significance for Aortic valve disease 2. Last evaluated: 2022-06-04. Review status: criteria provided, single submitter. Criteria: Invitae Variant Classification Sherloc (09022015). Collection method: clinical testing. Allele origin: germline.
Comment: Algorithms developed to predict the effect of missense changes on protein structure and function (SIFT, PolyPhen-2, Align-GVGD) all suggest that this variant is likely to be tolerated. This sequence change replaces threonine, which is neutral and polar, with lysine, which is basic and polar, at codon 190 of the SMAD6 protein (p.Thr190Lys). This variant is not present in population databases (gnomAD no frequency). This variant has not been reported in the literature in individuals affected with SMAD6-related conditions. ClinVar contains an entry for this variant (Variation ID: 850109). In summary, the available evidence is currently insufficient to determine the role of this variant in disease. Therefore, it has been classified as a Variant of Uncertain Significance.